The following is an entry in ClinVar:

ClinVar aggregate classification (germline): Uncertain significance. Review status: criteria provided, multiple submitters, no conflicts (2 of 4 stars). 3 submissions from 3 submitters: Uncertain significance (3). Last evaluated 2023-12-22.

Conditions:
Inborn genetic diseases. Identifiers: MedGen C0950123, MeSH D030342.

Allele frequency attached by ClinVar (database versions not stated): ExAC 0.00005; gnomAD exomes 0.00007 and 0.00023; ESP Exome Variant Server 0.00008; gnomAD 0.00011; TOPMed 0.00011.
gnomAD v4.1: 354 of 1,613,726 alleles (0.022%); highest among the groups gnomAD compares: Non-Finnish European, 0.029%; no homozygotes.

Submissions (3):

Ambry Genetics
Classification: Uncertain significance for Inborn genetic diseases. Last evaluated: 2023-12-22. Review status: criteria provided, single submitter. Criteria: Ambry Variant Classification Scheme 2023. Collection method: clinical testing. Allele origin: germline.

Blueprint Genetics
Classification: Uncertain significance. Last evaluated: 2022-07-27. Review status: criteria provided, single submitter. Criteria: ACMG Guidelines, 2015. Collection method: clinical testing. Allele origin: germline.

Labcorp Genetics (formerly Invitae), Labcorp
Classification: Uncertain significance. Last evaluated: 2022-07-26. Review status: criteria provided, single submitter. Criteria: Invitae Variant Classification Sherloc (09022015). Collection method: clinical testing. Allele origin: germline.
Comment: This sequence change replaces lysine, which is basic and polar, with asparagine, which is neutral and polar, at codon 86 of the AGBL5 protein (p.Lys86Asn). This variant is present in population databases (rs370791852, gnomAD 0.02%). This variant has not been reported in the literature in individuals affected with AGBL5-related conditions. ClinVar contains an entry for this variant (Variation ID: 836411). Algorithms developed to predict the effect of missense changes on protein structure and function are either unavailable or do not agree on the potential impact of this missense change (SIFT: "Deleterious"; PolyPhen-2: "Benign"; Align-GVGD: "Class C0"). In summary, the available evidence is currently insufficient to determine the role of this variant in disease. Therefore, it has been classified as a Variant of Uncertain Significance.

NM_021831.6(AGBL5):c.258A>T (p.Lys86Asn)

Gene: AGBL5 (AGBL carboxypeptidase 5; plus strand). Cytogenetic location: 2p23.3.
Variant type: single nucleotide variant.
Coding change: c.258A>T on transcript NM_021831.6 (MANE Select); coding-DNA position 258, A replaced by T.
Protein change: p.Lys86Asn; replaces lysine 86 with asparagine.
Molecular consequence: missense variant. On other transcripts: non-coding transcript variant (2).
Genome position (GRCh38, 1-based): chr2:27,053,444, A>T. VCF-style: chr2-27053444-A-T. GRCh37 (hg19) VCF-style: chr2-27276312-A-T.
Other names: c.258A>T, p.Lys86Asn (NM_001035507.3); short protein forms K86N.
Identifiers: ClinVar variation 836411 (VCV000836411.6), dbSNP rs370791852, ClinGen allele CA1567599.